The following is an entry in ClinVar:

NM_144585.4(SLC22A12):c.224T>C (p.Ile75Thr)

Gene: SLC22A12 (solute carrier family 22 member 12; plus strand). Cytogenetic location: 11q13.1.
Variant type: single nucleotide variant.
Coding change: c.224T>C on transcript NM_144585.4 (MANE Select); coding-DNA position 224, T replaced by C.
Protein change: p.Ile75Thr; replaces isoleucine 75 with threonine.
Molecular consequence: missense variant. On other transcripts: 5 prime UTR variant (1).
Genome position (GRCh38, 1-based): chr11:64,591,780, T>C. VCF-style: chr11-64591780-T-C. GRCh37 (hg19) VCF-style: chr11-64359252-T-C.
Other names: c.224T>C, p.Ile75Thr (NM_001276326.2, NM_001276327.2); c.-285T>C (NM_153378.3); short protein forms I75T.
Identifiers: ClinVar variation 878232 (VCV000878232.10), dbSNP rs141570522, ClinGen allele CA6077000.

ClinVar aggregate classification (germline): Uncertain significance. Review status: criteria provided, multiple submitters, no conflicts (2 of 4 stars). 5 submissions from 5 submitters: Uncertain significance (5). Last evaluated 2024-02-26.

Conditions:
Dalmatian hypouricemia (RHUC1). Identifiers: MedGen C0473219, MONDO:0020728, OMIM 220150.

Allele frequency attached by ClinVar (database versions not stated): gnomAD exomes 0.00015 and 0.00032; 1000 Genomes Project 30x 0.00016; TOPMed 0.00016; ExAC 0.00018; 1000 Genomes Project 0.00020; gnomAD 0.00023; ESP Exome Variant Server 0.00046.
gnomAD v4.1: 494 of 1,612,826 alleles (0.031%); highest among the groups gnomAD compares: Non-Finnish European, 0.041%; no homozygotes.

Submissions (5):

Institute of Human Genetics, University of Leipzig Medical Center
Classification: Uncertain significance for Dalmatian hypouricemia. Last evaluated: 2024-02-26. Review status: criteria provided, single submitter. Criteria: ACMG Guidelines, 2015. Collection method: clinical testing. Allele origin: unknown. Inheritance: Autosomal recessive inheritance. Affected: yes.
Comment: Criteria applied: PS3_SUP,PS4_SUP

Fulgent Genetics
Classification: Uncertain significance for Dalmatian hypouricemia. Last evaluated: 2024-02-23. Review status: criteria provided, single submitter. Criteria: ACMG Guidelines, 2015. Collection method: clinical testing. Allele origin: germline.

Labcorp Genetics (formerly Invitae), Labcorp
Classification: Uncertain significance. Last evaluated: 2022-07-20. Review status: criteria provided, single submitter. Criteria: Invitae Variant Classification Sherloc (09022015). Collection method: clinical testing. Allele origin: germline.
Comment: In summary, the available evidence is currently insufficient to determine the role of this variant in disease. Therefore, it has been classified as a Variant of Uncertain Significance. This sequence change replaces isoleucine, which is neutral and non-polar, with threonine, which is neutral and polar, at codon 75 of the SLC22A12 protein (p.Ile75Thr). This variant is present in population databases (rs141570522, gnomAD 0.03%). This missense change has been observed in individual(s) with nephrolithiasis (PMID: 22194875). ClinVar contains an entry for this variant (Variation ID: 878232). Algorithms developed to predict the effect of missense changes on protein structure and function are either unavailable or do not agree on the potential impact of this missense change (SIFT: "Deleterious"; PolyPhen-2: "Benign"; Align-GVGD: "Class C0"). Experimental studies have shown that this missense change affects SLC22A12 function (PMID: 22194875).

GeneDx
Classification: Uncertain significance. Last evaluated: 2020-03-04. Review status: criteria provided, single submitter. Criteria: GeneDx Variant Classification Process June 2021. Collection method: clinical testing. Allele origin: germline. Affected: yes.
Comment: Reported as a single heterozygous variant in an individual with recurrent nephrolithiasis and low serum urate (Tasic et al., 2011); Published functional studies demonstrate a damaging effect: significant reduction of urate transport function (Tasic et al., 2011); This variant is associated with the following publications: (PMID: 29510180, 23263486, 20884846, 22194875, 30097038, 30315176)

Illumina Laboratory Services, Illumina
Classification: Uncertain significance for Dalmatian hypouricemia. Last evaluated: 2017-04-28. Review status: criteria provided, single submitter. Criteria: ICSL Variant Classification Criteria 13 December 2019. Collection method: clinical testing. Allele origin: germline.
Comment: This variant was observed as part of a predisposition screen in an ostensibly healthy population. A literature search was performed for the gene, cDNA change, and amino acid change (where applicable). Publications were found based on this search. However, the evidence from the literature, in combination with allele frequency data from public databases where available, was not sufficient to rule this variant in or out of causing disease. Therefore, this variant is classified as a variant of unknown significance.

Literature cited by the submitters: PubMed 22194875 (cited by Labcorp Genetics (formerly Invitae), Labcorp and Illumina Laboratory Services, Illumina).